The following is an entry in ClinVar:

ClinVar aggregate classification (germline): Pathogenic/Likely pathogenic. Review status: criteria provided, multiple submitters, no conflicts (2 of 4 stars). 4 submissions from 4 submitters: Pathogenic (2); Likely pathogenic (1). 1 of the submissions does not count toward it. Last evaluated 2025-07-13.

Conditions:
Leber congenital amaurosis 7 (LCA7). Identifiers: Orphanet 65, MedGen C3151192, MONDO:0013449, OMIM 613829.
Cone-rod dystrophy 2 (CORD2). Also called: CONE-ROD RETINAL DYSTROPHY; Cone-rod retinal dystrophy 2. Identifiers: Orphanet 1872, MedGen C3489532, MONDO:0007362, OMIM 120970.
CRX-related disorders.
Retinal dystrophy. Also called: Inherited retinal dystrophy. Identifiers: Orphanet 71862, MedGen C0854723, MeSH D058499, MONDO:0019118, HP:0000556.

Allele frequency attached by ClinVar (database versions not stated): TOPMed below 0.00001; ExAC 0.00001; gnomAD exomes 0.00001.
gnomAD v4.1: 14 of 1,614,104 alleles (0.00087%); highest among the groups gnomAD compares: Admixed American, 0.0017%; no homozygotes.

Submissions (4):

Labcorp Genetics (formerly Invitae), Labcorp
Classification: Pathogenic for Cone-rod dystrophy 2; Leber congenital amaurosis 7. Last evaluated: 2025-07-13. Review status: criteria provided, single submitter. Criteria: Invitae Variant Classification Sherloc (09022015). Collection method: clinical testing. Allele origin: germline.
Comment: This sequence change replaces arginine, which is basic and polar, with glutamine, which is neutral and polar, at codon 40 of the CRX protein (p.Arg40Gln). This variant is present in population databases (rs771450991, gnomAD 0.003%). This missense change has been observed in individuals with clinical features of autosomal dominant CRX-related conditions (PMID: 28041643, 32581362, 32927963; internal data). It has also been observed to segregate with disease in related individuals. ClinVar contains an entry for this variant (Variation ID: 437959). Invitae Evidence Modeling of protein sequence and biophysical properties (such as structural, functional, and spatial information, amino acid conservation, physicochemical variation, residue mobility, and thermodynamic stability) indicates that this missense variant is expected to disrupt CRX protein function with a positive predictive value of 95%. This variant disrupts the p.Arg40 amino acid residue in CRX. Other variant(s) that disrupt this residue have been determined to be pathogenic (PMID: 31626798, 32533067). This suggests that this residue is clinically significant, and that variants that disrupt this residue are likely to be disease-causing. For these reasons, this variant has been classified as Pathogenic.

GeneDx
Classification: Likely pathogenic. Last evaluated: 2025-03-21. Review status: criteria provided, single submitter. Criteria: GeneDx Variant Classification Process June 2021. Collection method: clinical testing. Allele origin: germline. Affected: yes.
Comment: In silico analysis supports that this missense variant has a deleterious effect on protein structure/function; Not observed at significant frequency in large population cohorts (gnomAD); This variant is associated with the following publications: (PMID: 32581362, 28041643, 32927963, 39128788, 31626798, 38219857, Jurca2024[Case report], 36729443)

Blueprint Genetics
Classification: Pathogenic for CRX-related disorders. Last evaluated: 2020-06-17. Review status: criteria provided, single submitter. Criteria: ACMG Guidelines, 2015. Collection method: clinical testing. Allele origin: germline. Affected: yes. Observed: 5 variant alleles.

NIHR Bioresource Rare Diseases, University of Cambridge
Classification: Likely pathogenic for Retinal dystrophy. Last evaluated: 2015-01-01. Review status: no assertion criteria provided. Collection method: research. Allele origin: unknown. Affected: yes. Observed: 1 variant allele. Not counted in ClinVar's aggregate classification.

Literature cited by the submitters: PubMed 28041643 (cited by Labcorp Genetics (formerly Invitae), Labcorp and NIHR Bioresource Rare Diseases, University of Cambridge); PubMed 32581362 (cited by Labcorp Genetics (formerly Invitae), Labcorp); PubMed 32927963 (cited by Labcorp Genetics (formerly Invitae), Labcorp); PubMed 31626798 (cited by Labcorp Genetics (formerly Invitae), Labcorp); PubMed 32533067 (cited by Labcorp Genetics (formerly Invitae), Labcorp).

NM_000554.6(CRX):c.119G>A (p.Arg40Gln)

Gene: CRX (cone-rod homeobox; plus strand). Cytogenetic location: 19q13.33.
Variant type: single nucleotide variant.
Coding change: c.119G>A on transcript NM_000554.6 (MANE Select); coding-DNA position 119, G replaced by A.
Protein change: p.Arg40Gln; replaces arginine 40 with glutamine.
Molecular consequence: missense variant.
Genome position (GRCh38, 1-based): chr19:47,836,261, G>A. VCF-style: chr19-47836261-G-A. GRCh37 (hg19) VCF-style: chr19-48339518-G-A.
Other names: short protein forms R40Q.
Identifiers: ClinVar variation 437959 (VCV000437959.10), dbSNP rs771450991, ClinGen allele CA9544402.
Genomic context (GRCh38, chr19:47,836,261, plus strand): 5'-CATGTGGATGACCTGAGGGTCCTGTTTCCCATCCCACCCCAGGCGCCCCCAGGAAGCAGC[G>A]GCGGGAGCGCACCACCTTCACCCGGAGCCAACTGGAGGAGCTGGAGGCACTGTTTGCCAA-3'
Protein context (NP_000545.1, residues 30-50): VPYPSAPRKQ[Arg40Gln]RERTTFTRSQ